The following is an entry in ClinVar:

ClinVar aggregate classification (germline): Pathogenic (1 of 4 stars; one submission).

Conditions:
Methylmalonic acidemia (MMA). Also called: Isolated Methylmalonic Acidemia. Identifiers: MedGen C0268583, MeSH C537358, MONDO:0002012, HP:0002912.

Submission:

Women's Health and Genetics/Laboratory Corporation of America, LabCorp
Classification: Pathogenic for Methylmalonic acidemia. Last evaluated: 2025-04-03. Review status: criteria provided, single submitter. Criteria: LabCorp Variant Classification Summary - May 2015. Collection method: clinical testing. Allele origin: germline.
Comment: Variant summary: MUT c.2107G>A (p.Gly703Arg) results in a non-conservative amino acid change in the encoded protein sequence. Five of five in-silico tools predict a damaging effect of the variant on protein function. The variant was absent in 251356 control chromosomes. c.2107G>A or p.G703R has been reported in the literature in multiple compound heterozygous individuals affected with Methylmalonic Acidemia (e.g. Qureshi_1994, Yu_2021, Guo_2024). These data indicate that the variant is likely to be associated with disease. At least one publication reports experimental evidence evaluating an impact on protein function. The most pronounced variant effect results in <10% of normal activity (e.g. Qureshi_1994). The following publications have been ascertained in the context of this evaluation (PMID: 7909321, 34668645, 38128819). ClinVar contains an entry for a different variant (c.2107G>C, p.Gly703Arg) resulting in the same amino acid change (Variation ID: 1885). Based on the evidence outlined above, the variant was classified as pathogenic.

Literature cited by the submitters: PubMed 34668645; PubMed 38128819; PubMed 7909321.

NM_000255.4(MMUT):c.2107G>A (p.Gly703Arg)

Gene: MMUT (methylmalonyl-CoA mutase; minus strand). Cytogenetic location: 6p12.3.
Variant type: single nucleotide variant.
Coding change: c.2107G>A on transcript NM_000255.4 (MANE Select); coding-DNA position 2107, G replaced by A.
Protein change: p.Gly703Arg; replaces glycine 703 with arginine.
Molecular consequence: missense variant.
Genome position (GRCh38, 1-based): chr6:49,435,473, C>T on the plus strand (G>A on the coding strand, the complement: MMUT is on the minus strand). VCF-style: chr6-49435473-C-T. GRCh37 (hg19) VCF-style: chr6-49403186-C-T.
Other names: short protein forms G703R.
Identifiers: ClinVar variation 3896515 (VCV003896515.2).
Genomic context (GRCh38, chr6:49,435,473, plus strand): 5'-AAGATTCCCATCACAGTACTAGAAAAATAGAGATAAAAAATACCTGAGGTGGTATCACCC[C>T]TCCACACATGACAAGAATATCTGGCCGTCCAAGGGAGTTAAGTTCTTTGATGAGTTCAGG-3'
Protein context (NP_000246.2, residues 693-713): GRPDILVMCG[Gly703Arg]VIPPQDYEFL